The following is an entry in ClinVar:

ClinVar aggregate classification (germline): Uncertain significance (1 of 4 stars; one submission).

gnomAD v4.1: 1 of 1,613,994 alleles (0.000062%); highest among the groups gnomAD compares: South Asian, 0.0011%; no homozygotes.

Submission:

CeGaT Center for Human Genetics Tuebingen
Classification: Uncertain significance. Last evaluated: 2026-07-01. Review status: criteria provided, single submitter. Criteria: CeGaT Center For Human Genetics Tuebingen Variant Classification Criteria Version 2. Collection method: clinical testing. Allele origin: germline. Affected: yes. Observed: 1 variant allele.
Comment: POLR3A: PM2, PM3:Supporting, BP4

NM_007055.4(POLR3A):c.1909+6T>C

Gene: POLR3A (RNA polymerase III subunit A; minus strand). Cytogenetic location: 10q22.3.
Variant type: single nucleotide variant.
Coding change: c.1909+6T>C on transcript NM_007055.4 (MANE Select); 6 bases into the intron after coding-DNA position 1909, T replaced by C.
Molecular consequence: intron variant.
Genome position (GRCh38, 1-based): chr10:78,009,531, A>G on the plus strand (T>C on the coding strand, the complement: POLR3A is on the minus strand). VCF-style: chr10-78009531-A-G. GRCh37 (hg19) VCF-style: chr10-79769289-A-G.
Identifiers: ClinVar variation 5040050 (VCV005040050.1).